The following is an entry in ClinVar:

NM_033026.6(PCLO):c.215C>T (p.Pro72Leu)

Gene: PCLO (piccolo presynaptic cytomatrix protein; minus strand). Cytogenetic location: 7q21.11.
Variant type: single nucleotide variant.
Coding change: c.215C>T on transcript NM_033026.6 (MANE Select); coding-DNA position 215, C replaced by T.
Protein change: p.Pro72Leu; replaces proline 72 with leucine.
Molecular consequence: missense variant.
Genome position (GRCh38, 1-based): chr7:83,162,378, G>A on the plus strand (C>T on the coding strand, the complement: PCLO is on the minus strand). VCF-style: chr7-83162378-G-A. GRCh37 (hg19) VCF-style: chr7-82791694-G-A.
Other names: c.215C>T, p.Pro72Leu (NM_014510.3); short protein forms P72L.
Identifiers: ClinVar variation 3726761 (VCV003726761.2).

ClinVar aggregate classification (germline): Uncertain significance (1 of 4 stars; one submission).

gnomAD v4.1: 2 of 1,600,494 alleles (0.00012%); highest among the groups gnomAD compares: Non-Finnish European, 0.00017%; no homozygotes.

Submission:

Labcorp Genetics (formerly Invitae), Labcorp
Classification: Uncertain significance. Last evaluated: 2024-12-07. Review status: criteria provided, single submitter. Criteria: Invitae Variant Classification Sherloc (09022015). Collection method: clinical testing. Allele origin: germline.
Comment: This sequence change replaces proline, which is neutral and non-polar, with leucine, which is neutral and non-polar, at codon 72 of the PCLO protein (p.Pro72Leu). This variant is not present in population databases (gnomAD no frequency). This variant has not been reported in the literature in individuals affected with PCLO-related conditions. Experimental studies and prediction algorithms are not available or were not evaluated, and the functional significance of this variant is currently unknown. In summary, the available evidence is currently insufficient to determine the role of this variant in disease. Therefore, it has been classified as a Variant of Uncertain Significance.